The following is an entry in ClinVar:

NM_001042492.3(NF1):c.3776A>G (p.Asn1259Ser)

Gene: NF1 (neurofibromin 1; plus strand). Cytogenetic location: 17q11.2.
Variant type: single nucleotide variant.
Coding change: c.3776A>G on transcript NM_001042492.3 (MANE Select); coding-DNA position 3776, A replaced by G.
Protein change: p.Asn1259Ser; replaces asparagine 1259 with serine.
Molecular consequence: missense variant.
Genome position (GRCh38, 1-based): chr17:31,235,678, A>G. VCF-style: chr17-31235678-A-G. GRCh37 (hg19) VCF-style: chr17-29562696-A-G.
Other names: c.3776A>G, p.Asn1259Ser (NM_000267.4); short protein forms N1259S.
Identifiers: ClinVar variation 1385602 (VCV001385602.6), dbSNP rs2151437868, ClinGen allele CA398992561.

ClinVar aggregate classification (germline): Uncertain significance (1 of 4 stars; one submission).

Conditions:
Neurofibromatosis, type 1 (NF1). Also called: VON RECKLINGHAUSEN DISEASE; Peripheral type neurofibromatosis; Neurofibromatosis, type I; NEUROFIBROMATOSIS, TYPE I, SOMATIC. Identifiers: Orphanet 636, MedGen C0027831, MONDO:0018975, OMIM 162200. Disease mechanism: loss of function.

Submission:

Labcorp Genetics (formerly Invitae), Labcorp
Classification: Uncertain significance for Neurofibromatosis, type 1. Last evaluated: 2025-04-07. Review status: criteria provided, single submitter. Criteria: Invitae Variant Classification Sherloc (09022015). Collection method: clinical testing. Allele origin: germline.
Comment: This sequence change replaces asparagine, which is neutral and polar, with serine, which is neutral and polar, at codon 1259 of the NF1 protein (p.Asn1259Ser). This variant is not present in population databases (gnomAD no frequency). This variant has not been reported in the literature in individuals affected with NF1-related conditions. ClinVar contains an entry for this variant (Variation ID: 1385602). Invitae Evidence Modeling of protein sequence and biophysical properties (such as structural, functional, and spatial information, amino acid conservation, physicochemical variation, residue mobility, and thermodynamic stability) indicates that this missense variant is expected to disrupt NF1 protein function with a positive predictive value of 95%. In summary, the available evidence is currently insufficient to determine the role of this variant in disease. Therefore, it has been classified as a Variant of Uncertain Significance.